The following is an entry in ClinVar:

ClinVar aggregate classification (germline): Conflicting classifications of pathogenicity. Review status: criteria provided, conflicting classifications (1 of 4 stars). 2 submissions from 2 submitters: Uncertain significance (1); Likely benign (1). Last evaluated 2023-10-05.

Conditions:
Inborn genetic diseases. Identifiers: MedGen C0950123, MeSH D030342.

Allele frequency attached by ClinVar (database versions not stated): gnomAD exomes below 0.00001 and 0.00001; ExAC 0.00001; gnomAD 0.00001; 1000 Genomes Project 0.00020; 1000 Genomes Project 30x 0.00031.
gnomAD v4.1: 6 of 1,613,506 alleles (0.00037%); highest among the groups gnomAD compares: South Asian, 0.0066%; no homozygotes.

Submissions (2):

Ambry Genetics
Classification: Likely benign for Inborn genetic diseases. Last evaluated: 2023-10-05. Review status: criteria provided, single submitter. Criteria: Ambry Variant Classification Scheme 2023. Collection method: clinical testing. Allele origin: germline.

CeGaT Center for Human Genetics Tuebingen
Classification: Uncertain significance. Last evaluated: 2022-07-01. Review status: criteria provided, single submitter. Criteria: CeGaT Center For Human Genetics Tuebingen Variant Classification Criteria Version 2. Collection method: clinical testing. Allele origin: germline. Affected: yes. Observed: 1 variant allele.
Comment: DNA2: PM2:Supporting, BP4

NM_001080449.3(DNA2):c.2872A>G (p.Ile958Val)

Gene: DNA2 (DNA replication helicase/nuclease 2; minus strand). Cytogenetic location: 10q21.3.
Variant type: single nucleotide variant.
Coding change: c.2872A>G on transcript NM_001080449.3 (MANE Select); coding-DNA position 2872, A replaced by G.
Protein change: p.Ile958Val; replaces isoleucine 958 with valine.
Molecular consequence: missense variant. On other transcripts: non-coding transcript variant (1).
Genome position (GRCh38, 1-based): chr10:68,419,129, T>C on the plus strand (A>G on the coding strand, the complement: DNA2 is on the minus strand). VCF-style: chr10-68419129-T-C. GRCh37 (hg19) VCF-style: chr10-70178886-T-C.
Other names: c.2872A>G (NM_001080449.2); short protein forms I958V.
Identifiers: ClinVar variation 1701136 (VCV001701136.32), dbSNP rs575412271, ClinGen allele CA5524715.